The following is an entry in ClinVar:

ClinVar aggregate classification (germline): Pathogenic (1 of 4 stars; one submission).

Conditions:
Autosomal recessive limb-girdle muscular dystrophy type 2Y (MRRSDC). Also called: Muscular dystrophy, autosomal recessive, with rigid spine and distal joint contractures; Muscular dystrophy, limb-girdle, type 2y. Identifiers: Orphanet 424261, MedGen C4511482, MONDO:0014900, OMIM 617072.

Submission:

Labcorp Genetics (formerly Invitae), Labcorp
Classification: Pathogenic for Autosomal recessive limb-girdle muscular dystrophy type 2Y. Last evaluated: 2023-10-11. Review status: criteria provided, single submitter. Criteria: Invitae Variant Classification Sherloc (09022015). Collection method: clinical testing. Allele origin: germline.
Comment: A gross deletion of the genomic region encompassing the full coding sequence of the TOR1AIP1 gene has been identified. Loss-of-function variants in TOR1AIP1 are known to be pathogenic (PMID: 24856141, 27342937). The boundaries of this event are unknown as they extend beyond the assayed region for this gene and therefore may encompass additional genes. This variant has not been reported in the literature in individuals affected with TOR1AIP1-related conditions. For these reasons, this variant has been classified as Pathogenic.

Literature cited by the submitters: PubMed 24856141; PubMed 27342937.

NC_000001.11:g.(?_179882503)_(179904022_?)del

Genes: TOR1AIP1 (torsin 1A interacting protein 1; plus strand), LOC129932003 (ATAC-STARR-seq lymphoblastoid active region 2157; plus strand), LOC112577517 (Sharpr-MPRA regulatory region 13766; plus strand). Cytogenetic location: 1q25.2.
Variant type: Deletion.
Identifiers: ClinVar variation 583920 (VCV000583920.9).